The following is an entry in ClinVar:

NM_000138.5(FBN1):c.3464-1G>C

Gene: FBN1 (fibrillin 1; minus strand). Cytogenetic location: 15q21.1.
Variant type: single nucleotide variant.
Coding change: c.3464-1G>C on transcript NM_000138.5 (MANE Select); the canonical splice acceptor site of the intron before coding-DNA position 3464, G replaced by C.
Molecular consequence: splice acceptor variant.
Genome position (GRCh38, 1-based): chr15:48,487,201, C>G on the plus strand (G>C on the coding strand, the complement: FBN1 is on the minus strand). VCF-style: chr15-48487201-C-G. GRCh37 (hg19) VCF-style: chr15-48779398-C-G.
Other names: c.3464-1G>C (NM_001406716.1).
Identifiers: ClinVar variation 3774318 (VCV003774318.2).

ClinVar aggregate classification (germline): Pathogenic (1 of 4 stars; one submission).

Conditions:
Marfan syndrome (MFS). Also called: MARFAN SYNDROME, TYPE I; Marfan syndrome type 1; Marfan's syndrome; Marfan syndrome, classic; FBN1-Related Marfan Syndrome. Identifiers: Orphanet 284963, Orphanet 558, MedGen C0024796, MONDO:0007947, OMIM 154700.

Submission:

Kasturba Medical College, Manipal, Kasturba Medical College, Manipal, Manipal Academy of Higher Education, Manipal, India
Classification: Pathogenic for Marfan syndrome. Review status: criteria provided, single submitter. Criteria: ACMG Guidelines, 2015. Collection method: research. Allele origin: de novo. Inheritance: Autosomal dominant inheritance. Affected: yes. Observed: 1 heterozygote.
Comment: This variant is absent in the gnomAD (v4.1.0) population database, and in our in-house data of 3527 exomes. It is highly likely that this canonical splice site variant causes aberrant splicing and leads to formation of truncated protein product or the transcript may undergo nonsense mediated mRNA decay.